The following is an entry in ClinVar:

ClinVar aggregate classification (germline): Uncertain significance (1 of 4 stars; one submission).

Allele frequency attached by ClinVar (database versions not stated): ExAC 0.00001; TOPMed 0.00001.

Submission:

Labcorp Genetics (formerly Invitae), Labcorp
Classification: Uncertain significance. Last evaluated: 2022-10-13. Review status: criteria provided, single submitter. Criteria: Invitae Variant Classification Sherloc (09022015). Collection method: clinical testing. Allele origin: germline.
Comment: This sequence change replaces tyrosine, which is neutral and polar, with cysteine, which is neutral and slightly polar, at codon 117 of the RLBP1 protein (p.Tyr117Cys). This variant is present in population databases (rs750590487, gnomAD 0.007%). This variant has not been reported in the literature in individuals affected with RLBP1-related conditions. ClinVar contains an entry for this variant (Variation ID: 1026667). Advanced modeling of protein sequence and biophysical properties (such as structural, functional, and spatial information, amino acid conservation, physicochemical variation, residue mobility, and thermodynamic stability) performed at Invitae indicates that this missense variant is not expected to disrupt RLBP1 protein function. In summary, the available evidence is currently insufficient to determine the role of this variant in disease. Therefore, it has been classified as a Variant of Uncertain Significance.

NM_000326.5(RLBP1):c.350A>G (p.Tyr117Cys)

Gene: RLBP1 (retinaldehyde binding protein 1; minus strand). Cytogenetic location: 15q26.1.
Variant type: single nucleotide variant.
Coding change: c.350A>G on transcript NM_000326.5 (MANE Select); coding-DNA position 350, A replaced by G.
Protein change: p.Tyr117Cys; replaces tyrosine 117 with cysteine.
Molecular consequence: missense variant.
Genome position (GRCh38, 1-based): chr15:89,215,235, T>C on the plus strand (A>G on the coding strand, the complement: RLBP1 is on the minus strand). VCF-style: chr15-89215235-T-C. GRCh37 (hg19) VCF-style: chr15-89758466-T-C.
Other names: short protein forms Y117C.
Identifiers: ClinVar variation 1026667 (VCV001026667.6), dbSNP rs750590487, ClinGen allele CA7722304.